The following is an entry in ClinVar:

ClinVar aggregate classification (germline): Uncertain significance. Review status: criteria provided, multiple submitters, no conflicts (2 of 4 stars). 2 submissions from 2 submitters: Uncertain significance (2). Last evaluated 2025-04-28.

Conditions:
Congenital myasthenic syndrome 8. Also called: Myasthenic syndrome, congenital, 8, with pre- and postsynaptic defects; MYASTHENIC SYNDROME, CONGENITAL, DUE TO AGRIN DEFICIENCY. Identifiers: Orphanet 590, MedGen C3808739, MONDO:0014052, OMIM 615120.

Allele frequency attached by ClinVar (database versions not stated): ExAC 0.00002; gnomAD 0.00003; gnomAD exomes 0.00004; TOPMed 0.00004; ESP Exome Variant Server 0.00008.
gnomAD v4.1: 53 of 1,613,838 alleles (0.0033%); highest among the groups gnomAD compares: East Asian, 0.025%; no homozygotes.

Submissions (2):

Labcorp Genetics (formerly Invitae), Labcorp
Classification: Uncertain significance for Congenital myasthenic syndrome 8. Last evaluated: 2025-04-28. Review status: criteria provided, single submitter. Criteria: Invitae Variant Classification Sherloc (09022015). Collection method: clinical testing. Allele origin: germline.
Comment: This sequence change replaces glycine, which is neutral and non-polar, with serine, which is neutral and polar, at codon 909 of the AGRN protein (p.Gly909Ser). This variant is present in population databases (rs368433481, gnomAD 0.04%). This variant has not been reported in the literature in individuals affected with AGRN-related conditions. ClinVar contains an entry for this variant (Variation ID: 864636). An algorithm developed to predict the effect of missense changes on protein structure and function (PolyPhen-2) suggests that this variant is likely to be disruptive. In summary, the available evidence is currently insufficient to determine the role of this variant in disease. Therefore, it has been classified as a Variant of Uncertain Significance.

Revvity Omics, Revvity
Classification: Uncertain significance for Congenital myasthenic syndrome 8. Last evaluated: 2024-04-23. Review status: criteria provided, single submitter. Criteria: ACMG Guidelines, 2015. Collection method: clinical testing. Allele origin: germline.

NM_198576.4(AGRN):c.2725G>A (p.Gly909Ser)

Gene: AGRN (agrin; plus strand). Cytogenetic location: 1p36.33.
Variant type: single nucleotide variant.
Coding change: c.2725G>A on transcript NM_198576.4 (MANE Select); coding-DNA position 2725, G replaced by A.
Protein change: p.Gly909Ser; replaces glycine 909 with serine.
Molecular consequence: missense variant.
Genome position (GRCh38, 1-based): chr1:1,046,008, G>A. VCF-style: chr1-1046008-G-A. GRCh37 (hg19) VCF-style: chr1-981388-G-A.
Other names: c.2725G>A, p.Gly909Ser (NM_001305275.2); c.2410G>A, p.Gly804Ser (NM_001364727.2); short protein forms G909S, G804S.
Identifiers: ClinVar variation 864636 (VCV000864636.9), dbSNP rs368433481, ClinGen allele CA508784.
Genomic context (GRCh38, chr1:1,046,008, plus strand): 5'-CATGCCCGTGCCCCAGACGCTTCTGCGCCTGCGACCTGTGCGGAGATGCGCTGTGAGTTC[G>A]GTGCGCGGTGCGTGGAGGAGTCTGGCTCAGCCCACTGTGTCTGCCCGATGCTCACCTGTC-3'
Protein context (NP_940978.2, residues 899-919): ATCAEMRCEF[Gly909Ser]ARCVEESGSA